The following is an entry in ClinVar:

ClinVar aggregate classification (germline): Pathogenic/Likely pathogenic. Review status: criteria provided, multiple submitters, no conflicts (2 of 4 stars). 4 submissions from 4 submitters: Pathogenic (3); Likely pathogenic (1). Last evaluated 2025-07-21.

Conditions:
AP4B1-related disorder. Also called: AP4B1-related condition.
Hereditary spastic paraplegia 47. Also called: Spastic paraplegia 47, autosomal recessive; adaptor protein 4 (AP-4) deficiency syndrome; CEREBRAL PALSY, SPASTIC QUADRIPLEGIC, 5. Identifiers: Orphanet 280763, MedGen C3279738, MONDO:0013551, OMIM 614066.

Allele frequency attached by ClinVar (database versions not stated): gnomAD exomes below 0.00001 and 0.00001; gnomAD 0.00001; TOPMed 0.00002; ExAC 0.00003; ESP Exome Variant Server 0.00008.

Submissions (4):

Labcorp Genetics (formerly Invitae), Labcorp
Classification: Pathogenic for Hereditary spastic paraplegia 47. Last evaluated: 2025-07-21. Review status: criteria provided, single submitter. Criteria: Invitae Variant Classification Sherloc (09022015). Collection method: clinical testing. Allele origin: germline.
Comment: This sequence change creates a premature translational stop signal (p.Arg353*) in the AP4B1 gene. It is expected to result in an absent or disrupted protein product. Loss-of-function variants in AP4B1 are known to be pathogenic (PMID: 22290197, 24700674, 24781758). This variant is present in population databases (rs138335735, gnomAD 0.007%). This variant has not been reported in the literature in individuals affected with AP4B1-related conditions. ClinVar contains an entry for this variant (Variation ID: 1456718). For these reasons, this variant has been classified as Pathogenic.

GeneDx
Classification: Pathogenic. Last evaluated: 2024-05-24. Review status: criteria provided, single submitter. Criteria: GeneDx Variant Classification Process June 2021. Collection method: clinical testing. Allele origin: germline.
Comment: Nonsense variant predicted to result in protein truncation or nonsense mediated decay in a gene for which loss of function is a known mechanism of disease; Not observed at significant frequency in large population cohorts (gnomAD); Has not been previously published as pathogenic or benign to our knowledge

Genome-Nilou Lab
Classification: Pathogenic for Hereditary spastic paraplegia 47. Last evaluated: 2023-04-11. Review status: criteria provided, single submitter. Criteria: ACMG Guidelines, 2015. Collection method: clinical testing. Allele origin: germline. Affected: no.

Blueprint Genetics
Classification: Likely pathogenic for AP4B1-related disorders. Last evaluated: 2022-02-10. Review status: criteria provided, single submitter. Criteria: ACMG Guidelines, 2015. Collection method: clinical testing. Allele origin: germline. Affected: yes. Observed: 1 variant allele.

Literature cited by the submitters: PubMed 22290197 (cited by Labcorp Genetics (formerly Invitae), Labcorp); PubMed 24700674 (cited by Labcorp Genetics (formerly Invitae), Labcorp); PubMed 24781758 (cited by Labcorp Genetics (formerly Invitae), Labcorp).

NM_001253852.3(AP4B1):c.1057C>T (p.Arg353Ter)

Genes: AP4B1 (adaptor related protein complex 4 subunit beta 1; minus strand), AP4B1-AS1 (AP4B1 antisense RNA 1; plus strand). Cytogenetic location: 1p13.2.
Variant type: single nucleotide variant.
Coding change: c.1057C>T on transcript NM_001253852.3 (MANE Select); coding-DNA position 1057, C replaced by T.
Protein change: p.Arg353Ter; replaces arginine 353 with a stop codon.
Molecular consequence: nonsense. On other transcripts: non-coding transcript variant (2).
Genome position (GRCh38, 1-based): chr1:113,899,961, G>A on the plus strand (C>T on the coding strand, the complement: AP4B1 is on the minus strand). VCF-style: chr1-113899961-G-A. GRCh37 (hg19) VCF-style: chr1-114442583-G-A.
Other names: c.760C>T, p.Arg254Ter (NM_001253853.3); c.553C>T, p.Arg185Ter (NM_001308312.2); c.1057C>T, p.Arg353Ter (NM_006594.5); short protein forms R185*, R353*, R254*.
Identifiers: ClinVar variation 1456718 (VCV001456718.10), dbSNP rs138335735, ClinGen allele CA1015940.
Genomic context (GRCh38, chr1:113,899,961, plus strand): 5'-TACCTATGGCAAAGATGGCAGCCTGTGCAAAGTCCGCAGACACATCCGTGCAGTACCCTC[G>A]AAGCTCCTCTAGCACCTGCTGCACATTCTCATCGTTCACCAGTTCACACAGCACCTCCAC-3'